The following is an entry in ClinVar:

NM_004055.5(CAPN5):c.559G>A (p.Val187Met)

Gene: CAPN5 (calpain 5; plus strand). Cytogenetic location: 11q13.5.
Variant type: single nucleotide variant.
Coding change: c.559G>A on transcript NM_004055.5 (MANE Select); coding-DNA position 559, G replaced by A.
Protein change: p.Val187Met; replaces valine 187 with methionine.
Molecular consequence: missense variant. On other transcripts: non-coding transcript variant (1).
Genome position (GRCh38, 1-based): chr11:77,114,294, G>A. VCF-style: chr11-77114294-G-A. GRCh37 (hg19) VCF-style: chr11-76825340-G-A.
Other names: c.679G>A, p.Val227Met (NM_001425321.1); c.559G>A, p.Val187Met (NM_001425322.1); c.427G>A, p.Val143Met (NM_001425323.1); short protein forms V187M, V143M, V227M.
Identifiers: ClinVar variation 4742633 (VCV004742633.1).
Genomic context (GRCh38, chr11:77,114,294, plus strand): 5'-CTTCCCAGACTGGCAGGCTGTTACCAGGCCCTGGATGGAGGCAACACAGCAGACGCACTG[G>A]TGGACTTCACGGGTGGTGTTTCTGAGCCCATCGACCTGACCGAGGGTGACTTTGCCAACG-3'
Protein context (NP_004046.2, residues 177-197): LDGGNTADAL[Val187Met]DFTGGVSEPI

ClinVar aggregate classification (germline): Uncertain significance (1 of 4 stars; one submission).

Submission:

Labcorp Genetics (formerly Invitae), Labcorp
Classification: Uncertain significance. Last evaluated: 2025-07-27. Review status: criteria provided, single submitter. Criteria: Invitae Variant Classification Sherloc (09022015). Collection method: clinical testing. Allele origin: germline.
Comment: This sequence change replaces valine, which is neutral and non-polar, with methionine, which is neutral and non-polar, at codon 187 of the CAPN5 protein (p.Val187Met). This variant is present in population databases (rs782073414, gnomAD 0.0009%). This variant has not been reported in the literature in individuals affected with CAPN5-related conditions. Invitae Evidence Modeling of protein sequence and biophysical properties (such as structural, functional, and spatial information, amino acid conservation, physicochemical variation, residue mobility, and thermodynamic stability) indicates that this missense variant is not expected to disrupt CAPN5 protein function with a negative predictive value of 80%. In summary, the available evidence is currently insufficient to determine the role of this variant in disease. Therefore, it has been classified as a Variant of Uncertain Significance.